The following is an entry in ClinVar:

ClinVar aggregate classification (germline): Pathogenic (1 of 4 stars; one submission).

Conditions:
Breast-ovarian cancer, familial, susceptibility to, 2 (BROVCA2). Also called: BRCA2 Hereditary Breast and Ovarian Cancer. Identifiers: Orphanet 145, MedGen C2675520, MONDO:0012933, OMIM 612555. Disease mechanism: loss of function.

Submission:

Myriad Genetics, Inc.
Classification: Pathogenic for Breast-ovarian cancer, familial, susceptibility to, 2. Last evaluated: 2023-09-13. Review status: criteria provided, single submitter. Criteria: Myriad Autosomal Dominant, Autosomal Recessive and X-Linked Classification Criteria (2023). Collection method: clinical testing. Allele origin: unknown.
Comment: This variant is considered pathogenic. This variant creates a frameshift predicted to result in premature protein truncation.

NM_000059.4(BRCA2):c.7500_7501del (p.Gln2501fs)

Gene: BRCA2 (BRCA2 DNA repair associated; plus strand). Cytogenetic location: 13q13.1.
Variant type: Deletion.
Coding change: c.7500_7501del on transcript NM_000059.4 (MANE Select); coding-DNA positions 7500 to 7501, 2 bases deleted (GC; older notation c.7500_7501delGC).
Protein change: p.Gln2501fs; shifts the reading frame from glutamine 2501.
Molecular consequence: frameshift variant. On other transcripts: non-coding transcript variant (1).
Genome position (GRCh38, 1-based): chr13:32,356,492-32,356,493, GC deleted. VCF-style (leftmost placement, unchanged base first): chr13-32356491-GGC-G. GRCh37 (hg19) VCF-style: chr13-32930628-GGC-G.
Other names: c.7404_7405del, p.Gln2469fs (NM_001406719.1); c.7500_7501del, p.Gln2501fs (NM_001406720.1); c.2568_2569del, p.Gln857fs (NM_001406721.1); c.1083_1084del, p.Gln362fs (NM_001406722.1); short protein forms Q2469fs, Q2501fs, Q362fs, Q857fs.
Identifiers: ClinVar variation 2674540 (VCV002674540.1), dbSNP rs2548541422, ClinGen allele CA2695199716.